The following is an entry in ClinVar:

ClinVar aggregate classification (germline): Uncertain significance (1 of 4 stars; one submission).

Submission:

GeneDx
Classification: Uncertain significance. Last evaluated: 2025-07-08. Review status: criteria provided, single submitter. Criteria: GeneDx Variant Classification Process June 2021. Collection method: clinical testing. Allele origin: germline. Affected: yes.
Comment: Not observed at significant frequency in large population cohorts (gnomAD); In silico analysis suggests that this missense variant does not alter protein structure/function; Has not been previously published as pathogenic or benign to our knowledge

NM_001127464.1:c.10618G>A

Gene: ZNF469 (zinc finger protein 469; plus strand).
Variant type: single nucleotide variant.
Identifiers: ClinVar variation 4685110 (VCV004685110.1).